The following is an entry in ClinVar:

ClinVar aggregate classification (germline): Uncertain significance (1 of 4 stars; one submission).

Conditions:
Psoriasis 2. Identifiers: MedGen C1864497, MONDO:0011269, OMIM 602723.
Pityriasis rubra pilaris (PRP). Also called: Pityriasis rubra pilaris--familial type. Identifiers: Orphanet 2897, MedGen C0032027, MONDO:0100017, OMIM 173200, MONDO:0008251.

Submission:

Labcorp Genetics (formerly Invitae), Labcorp
Classification: Uncertain significance for Pityriasis rubra pilaris; Psoriasis 2. Last evaluated: 2020-02-27. Review status: criteria provided, single submitter. Criteria: Invitae Variant Classification Sherloc (09022015). Collection method: clinical testing. Allele origin: germline.
Comment: Algorithms developed to predict the effect of missense changes on protein structure and function are either unavailable or do not agree on the potential impact of this missense change (SIFT: "Deleterious"; PolyPhen-2: "Benign"; Align-GVGD: "Class C0"). In summary, the available evidence is currently insufficient to determine the role of this variant in disease. Therefore, it has been classified as a Variant of Uncertain Significance. This variant has not been reported in the literature in individuals with CARD14-related conditions. This variant is not present in population databases (ExAC no frequency). This sequence change replaces glutamine with glutamic acid at codon 743 of the CARD14 protein (p.Gln743Glu). The glutamine residue is moderately conserved and there is a small physicochemical difference between glutamine and glutamic acid.

NM_001366385.1(CARD14):c.2227C>G (p.Gln743Glu)

Genes: CARD14 (caspase recruitment domain family member 14; plus strand), SGSH (N-sulfoglucosamine sulfohydrolase; minus strand). Cytogenetic location: 17q25.3.
Variant type: single nucleotide variant.
Coding change: c.2227C>G on transcript NM_001366385.1 (MANE Select); coding-DNA position 2227, C replaced by G.
Protein change: p.Gln743Glu; replaces glutamine 743 with glutamic acid.
Molecular consequence: missense variant. On other transcripts: non-coding transcript variant (1).
Genome position (GRCh38, 1-based): chr17:80,203,829, C>G. VCF-style: chr17-80203829-C-G. GRCh37 (hg19) VCF-style: chr17-78177628-C-G.
Other names: c.2227C>G, p.Gln743Glu (NM_024110.4); short protein forms Q743E.
Identifiers: ClinVar variation 1052843 (VCV001052843.9), dbSNP rs2041123415, ClinGen allele CA401354385.